The following is an entry in ClinVar:

ClinVar aggregate classification (germline): Uncertain significance (1 of 4 stars; one submission).

gnomAD v4.1: 2 of 1,609,740 alleles (0.00012%); highest among the groups gnomAD compares: South Asian, 0.0022%; no homozygotes.

Submission:

Ambry Genetics
Classification: Uncertain significance. Last evaluated: 2025-10-10. Review status: criteria provided, single submitter. Criteria: Ambry Variant Classification Scheme 2023. Collection method: clinical testing. Allele origin: germline.
Comment: The p.Q563R variant (also known as c.1688A>G), located in coding exon 2 of the CDK12 gene, results from an A to G substitution at nucleotide position 1688. The glutamine at codon 563 is replaced by arginine, an amino acid with highly similar properties. This amino acid position is conserved. In addition, this alteration is predicted to be tolerated by in silico analysis. Based on the available evidence, the clinical significance of this variant remains unclear.

NM_016507.4(CDK12):c.1688A>G (p.Gln563Arg)

Gene: CDK12 (cyclin dependent kinase 12; plus strand). Cytogenetic location: 17q12.
Variant type: single nucleotide variant.
Coding change: c.1688A>G on transcript NM_016507.4 (MANE Select); coding-DNA position 1688, A replaced by G.
Protein change: p.Gln563Arg; replaces glutamine 563 with arginine.
Molecular consequence: missense variant.
Genome position (GRCh38, 1-based): chr17:39,471,520, A>G. VCF-style: chr17-39471520-A-G. GRCh37 (hg19) VCF-style: chr17-37627773-A-G.
Other names: c.1688A>G, p.Gln563Arg (NM_015083.4); short protein forms Q563R.
Identifiers: ClinVar variation 4651369 (VCV004651369.1).